The following is an entry in ClinVar:

NM_001371986.1(UNC80):c.6977A>G (p.Gln2326Arg)

Gene: UNC80 (unc-80 homolog, NALCN channel complex subunit; plus strand). Cytogenetic location: 2q34.
Variant type: single nucleotide variant.
Coding change: c.6977A>G on transcript NM_001371986.1 (MANE Select); coding-DNA position 6977, A replaced by G.
Protein change: p.Gln2326Arg; replaces glutamine 2326 with arginine.
Molecular consequence: missense variant.
Genome position (GRCh38, 1-based): chr2:209,943,441, A>G. VCF-style: chr2-209943441-A-G. GRCh37 (hg19) VCF-style: chr2-210808165-A-G.
Other names: c.6779A>G, p.Gln2260Arg (NM_032504.2); c.6764A>G, p.Gln2255Arg (NM_182587.4); short protein forms Q2326R, Q2260R, Q2255R.
Identifiers: ClinVar variation 1512473 (VCV001512473.5), dbSNP rs932774162, ClinGen allele CA350773483.

ClinVar aggregate classification (germline): Uncertain significance (1 of 4 stars; one submission).

Allele frequency attached by ClinVar (database versions not stated): gnomAD exomes 0.00001; gnomAD 0.00002.
gnomAD v4.1: 15 of 1,552,042 alleles (0.00097%); highest among the groups gnomAD compares: Admixed American, 0.002%; no homozygotes.

Submission:

Labcorp Genetics (formerly Invitae), Labcorp
Classification: Uncertain significance. Last evaluated: 2022-07-25. Review status: criteria provided, single submitter. Criteria: Invitae Variant Classification Sherloc (09022015). Collection method: clinical testing. Allele origin: germline.
Comment: This sequence change replaces glutamine, which is neutral and polar, with arginine, which is basic and polar, at codon 2260 of the UNC80 protein (p.Gln2260Arg). This variant is present in population databases (no rsID available, gnomAD 0.007%). This variant has not been reported in the literature in individuals affected with UNC80-related conditions. ClinVar contains an entry for this variant (Variation ID: 1512473). Algorithms developed to predict the effect of missense changes on protein structure and function are either unavailable or do not agree on the potential impact of this missense change (SIFT: "Not Available"; PolyPhen-2: "Probably Damaging"; Align-GVGD: "Not Available"). In summary, the available evidence is currently insufficient to determine the role of this variant in disease. Therefore, it has been classified as a Variant of Uncertain Significance.